The following is an entry in ClinVar:

NM_025137.4(SPG11):c.1124G>A (p.Gly375Asp)

Gene: SPG11 (SPG11 vesicle trafficking associated, spatacsin; minus strand). Cytogenetic location: 15q21.1.
Variant type: single nucleotide variant.
Coding change: c.1124G>A on transcript NM_025137.4 (MANE Select); coding-DNA position 1124, G replaced by A.
Protein change: p.Gly375Asp; replaces glycine 375 with aspartic acid.
Molecular consequence: missense variant.
Genome position (GRCh38, 1-based): chr15:44,651,823, C>T on the plus strand (G>A on the coding strand, the complement: SPG11 is on the minus strand). VCF-style: chr15-44651823-C-T. GRCh37 (hg19) VCF-style: chr15-44944021-C-T.
Other names: c.1124G>A, p.Gly375Asp (NM_001160227.2); short protein forms G375D.
Identifiers: ClinVar variation 1494823 (VCV001494823.7), dbSNP rs2141107015, ClinGen allele CA392236542.
Genomic context (GRCh38, chr15:44,651,823, plus strand): 5'-TGCCCATGCATTATGTCCTGTGGAATGAAGGCCCAGCTCTGCACACTTGTACTGTGGTTA[C>T]CAGATTCAGGTGACTCCAAATGCAAAATATCCTGGAACCATGGAGCACAACAGGAAACCT-3'
Protein context (NP_079413.3, residues 365-385): DILHLESPES[Gly375Asp]NHSTSVQSWA

ClinVar aggregate classification (germline): Uncertain significance (1 of 4 stars; one submission).

Conditions:
Hereditary spastic paraplegia 11. Also called: Nakamura Osame syndrome; Autosomal recessive hereditary spastic paraplegia, mental impairment, and thin corpus callosum; SPASTIC PARAPLEGIA, AUTOSOMAL RECESSIVE, COMPLICATED, WITH THIN CORPUS CALLOSUM; SPASTIC PARAPLEGIA, AUTOSOMAL RECESSIVE, WITH MENTAL IMPAIRMENT AND THIN CORPUS CALLOSUM; Spastic paraplegia, mental retardation and thin corpus callosum; Spastic Paraplegia 11. Identifiers: Orphanet 2822, MedGen C1858479, MONDO:0011445, OMIM 604360.

Submission:

Labcorp Genetics (formerly Invitae), Labcorp
Classification: Uncertain significance for Hereditary spastic paraplegia 11. Last evaluated: 2023-11-27. Review status: criteria provided, single submitter. Criteria: Invitae Variant Classification Sherloc (09022015). Collection method: clinical testing. Allele origin: germline.
Comment: This sequence change replaces glycine, which is neutral and non-polar, with aspartic acid, which is acidic and polar, at codon 375 of the SPG11 protein (p.Gly375Asp). This variant is not present in population databases (gnomAD no frequency). This variant has not been reported in the literature in individuals affected with SPG11-related conditions. ClinVar contains an entry for this variant (Variation ID: 1494823). Algorithms developed to predict the effect of missense changes on protein structure and function output the following: SIFT: "Not Available"; PolyPhen-2: "Probably Damaging"; Align-GVGD: "Not Available". The aspartic acid amino acid residue is found in multiple mammalian species, which suggests that this missense change does not adversely affect protein function. In summary, the available evidence is currently insufficient to determine the role of this variant in disease. Therefore, it has been classified as a Variant of Uncertain Significance.